The following is an entry in ClinVar:

ClinVar aggregate classification (germline): Benign/Likely benign. Review status: criteria provided, multiple submitters, no conflicts (2 of 4 stars). 4 submissions from 4 submitters: Benign (3); Likely benign (1). Last evaluated 2026-06-01.

Allele frequency attached by ClinVar (database versions not stated): 1000 Genomes Project 30x 0.00422; 1000 Genomes Project 0.00459; TOPMed 0.00460; gnomAD 0.00479 and 0.00484; ExAC 0.00512; ESP Exome Variant Server 0.00526; gnomAD exomes 0.00532 and 0.00620.
gnomAD v4.1: 9,830 of 1,613,878 alleles (0.61%); highest among the groups gnomAD compares: Middle Eastern, 0.78%; 43 homozygotes.

Submissions (4):

CeGaT Center for Human Genetics Tuebingen
Classification: Likely benign. Last evaluated: 2026-06-01. Review status: criteria provided, single submitter. Criteria: CeGaT Center For Human Genetics Tuebingen Variant Classification Criteria Version 2. Collection method: clinical testing. Allele origin: germline. Affected: yes. Observed: 26 variant alleles.
Comment: TENM4: BP4, BP7, BS2

Mayo Clinic Laboratories, Mayo Clinic
Classification: Benign. Last evaluated: 2024-07-16. Review status: criteria provided, single submitter. Criteria: ACMG Guidelines, 2015. Collection method: clinical testing. Allele origin: germline. Observed: 8 variant alleles.
Comment: BS1, BS2, BP4, BP7

Labcorp Genetics (formerly Invitae), Labcorp
Classification: Benign. Last evaluated: 2019-12-31. Review status: criteria provided, single submitter. Criteria: Invitae Variant Classification Sherloc (09022015). Collection method: clinical testing. Allele origin: germline.

Breakthrough Genomics
Classification: Benign. Review status: criteria provided, single submitter. Criteria: ACMG Guidelines, 2015. Collection method: not provided. Allele origin: germline. Inheritance: Autosomal dominant inheritance. Affected: yes.

NM_001098816.3(TENM4):c.8010C>T (p.Tyr2670=)

Gene: TENM4 (teneurin transmembrane protein 4; minus strand). Cytogenetic location: 11q14.1.
Variant type: single nucleotide variant.
Coding change: c.8010C>T on transcript NM_001098816.3 (MANE Select); coding-DNA position 8010, C replaced by T.
Protein change: p.Tyr2670=; no amino-acid change (tyrosine 2670 retained).
Molecular consequence: synonymous variant.
Genome position (GRCh38, 1-based): chr11:78,658,358, G>A on the plus strand (C>T on the coding strand, the complement: TENM4 is on the minus strand). VCF-style: chr11-78658358-G-A. GRCh37 (hg19) VCF-style: chr11-78369403-G-A.
Other names: p.Tyr2670=.
Identifiers: ClinVar variation 788603 (VCV000788603.32), dbSNP rs34562198, ClinGen allele CA6206110.
Genomic context (GRCh38, chr11:78,658,358, plus strand): 5'-GACCCGTGCCTTCTCCTCATCCAACGTTGTCCCGTAGCGTGTGTTCAAGCACAGTGCCCC[G>A]TACTGGAGCTGGATGTCTGTGTAGCGTCTAGTCCTGCCATTAAGTACTGTGTTGATCTGG-3'
Protein context (NP_001092286.2, residues 2660-2680): TRRYTDIQLQ[Tyr2670=]GALCLNTRYG